The following is an entry in ClinVar:

NM_000166.6(GJB1):c.526A>G (p.Thr176Ala)

Gene: GJB1 (gap junction protein beta 1; plus strand). Cytogenetic location: Xq13.1.
Variant type: single nucleotide variant.
Coding change: c.526A>G on transcript NM_000166.6 (MANE Select); coding-DNA position 526, A replaced by G.
Protein change: p.Thr176Ala; replaces threonine 176 with alanine.
Molecular consequence: missense variant.
Genome position (GRCh38, 1-based): chrX:71,224,233, A>G. VCF-style: chrX-71224233-A-G. GRCh37 (hg19) VCF-style: chrX-70444083-A-G.
Other names: c.526A>G, p.Thr176Ala (NM_001097642.3); c.526A>G (NM_000166.5); short protein forms T176A.
Identifiers: ClinVar variation 2099225 (VCV002099225.5), dbSNP rs2519798722, ClinGen allele CA413502983.

ClinVar aggregate classification (germline): Uncertain significance. Review status: criteria provided, single submitter (1 of 4 stars). 2 submissions from 2 submitters: Uncertain significance (1). 1 of the submissions does not count toward it. Last evaluated 2022-07-04.

Conditions:
Charcot-Marie-Tooth Neuropathy X. Identifiers: MedGen CN118851.
GJB1-related disorder. Also called: GJB1-related disorders; GJB1-related condition.

Submissions (2):

Labcorp Genetics (formerly Invitae), Labcorp
Classification: Uncertain significance for Charcot-Marie-Tooth Neuropathy X. Last evaluated: 2022-07-04. Review status: criteria provided, single submitter. Criteria: Invitae Variant Classification Sherloc (09022015). Collection method: clinical testing. Allele origin: germline.
Comment: This missense change has been observed in individual(s) with clinical features of Charcot-Marie-Tooth disease (PMID: 32376792). This sequence change replaces threonine, which is neutral and polar, with alanine, which is neutral and non-polar, at codon 176 of the GJB1 protein (p.Thr176Ala). This variant is not present in population databases (gnomAD no frequency). Algorithms developed to predict the effect of missense changes on protein structure and function are either unavailable or do not agree on the potential impact of this missense change (SIFT: "Deleterious"; PolyPhen-2: "Benign"; Align-GVGD: "Class C0"). In summary, the available evidence is currently insufficient to determine the role of this variant in disease. Therefore, it has been classified as a Variant of Uncertain Significance.

PreventionGenetics, part of Exact Sciences
Classification: Uncertain significance for GJB1-related condition. Last evaluated: 2024-04-30. Review status: no assertion criteria provided. Collection method: clinical testing. Allele origin: germline. Not counted in ClinVar's aggregate classification.
Comment: The GJB1 c.526A>G variant is predicted to result in the amino acid substitution p.Thr176Ala. This variant was reported as a variant of uncertain significance in a large cohort study in patients with Charcot-Marie-Tooth disease (Volodarsky et al 2021. PubMed ID: 32376792). This variant has not been reported in a large population database, indicating this variant is rare. At this time, the clinical significance of this variant is uncertain due to the absence of conclusive functional and genetic evidence.

Literature cited by the submitters: PubMed 32376792 (cited by Labcorp Genetics (formerly Invitae), Labcorp).